The following is an entry in ClinVar:

ClinVar aggregate classification (germline): Likely pathogenic. Review status: criteria provided, multiple submitters, no conflicts (2 of 4 stars). 2 submissions from 2 submitters: Likely pathogenic (2). Last evaluated 2024-10-22.

Conditions:
Acyl-CoA oxidase deficiency. Also called: STRAIGHT-CHAIN ACYL-CoA OXIDASE DEFICIENCY; Pseudoneonatal adrenoleukodystrophy; Peroxisomal acyl-CoA oxidase deficiency. Identifiers: Orphanet 2971, MedGen C1849678, MONDO:0009919, OMIM 264470. Disease mechanism: loss of function.

Submissions (2):

Natera, Inc.
Classification: Likely pathogenic for Peroxisomal acyl-CoA oxidase deficiency. Last evaluated: 2024-10-22. Review status: criteria provided, single submitter. Criteria: Natera Variant Classification Schema (03/2026). Collection method: clinical testing. Allele origin: germline.
Comment: The c.1311_1312del variant in ACOX1 is a frameshift variant predicted to shift the reading frame beginning at codon 438 and leads to a stop codon 2 codons downstream. This variant is expected to result in nonsense mediated decay, truncation, or a dysfunctional protein product. This variant is rare in the general population with a frequency below the threshold expected for the associated phenotype(s). Given the available evidence, this variant is classified as Likely Pathogenic.

Hadassah Hebrew University Medical Center
Classification: Likely pathogenic for Acyl-CoA oxidase deficiency. Last evaluated: 2019-06-20. Review status: criteria provided, single submitter. Criteria: ACMG Guidelines, 2015. Collection method: clinical testing. Allele origin: germline. Inheritance: Autosomal recessive inheritance. Affected: yes.

NM_004035.7(ACOX1):c.1311_1312del (p.Ser438fs)

Gene: ACOX1 (acyl-CoA oxidase 1; minus strand). Cytogenetic location: 17q25.1.
Variant type: Deletion.
Coding change: c.1311_1312del on transcript NM_004035.7 (MANE Select); coding-DNA positions 1311 to 1312, 2 bases deleted (AA; older notation c.1311_1312delAA).
Protein change: p.Ser438fs; shifts the reading frame from serine 438.
Molecular consequence: frameshift variant.
Genome position (GRCh38, 1-based): chr17:75,949,884-75,949,885, TT deleted on the plus strand (AA on the coding strand, the reverse complement: ACOX1 is on the minus strand); deleting any 2 consecutive bases within chr17:75,949,884-75,949,887 gives the same sequence; the c. name uses the placement nearest the transcript's 3' end. VCF-style (leftmost placement, unchanged base first): chr17-75949883-CTT-C. GRCh37 (hg19) VCF-style: chr17-73945964-CTT-C.
Other names: c.1197_1198del, p.Ser400fs (NM_001185039.2); c.1311_1312del, p.Ser438fs (NM_007292.6); c.1311_1312del (NM_004035.6); short protein forms S400fs, S438fs.
Identifiers: ClinVar variation 804424 (VCV000804424.3), dbSNP rs747192384, ClinGen allele CA915952243.